The following is an entry in ClinVar:

ClinVar aggregate classification (germline): Conflicting classifications of pathogenicity. Review status: criteria provided, conflicting classifications (1 of 4 stars). 7 submissions from 7 submitters: Uncertain significance (4); Likely benign (3). Last evaluated 2025-12-15.

Conditions:
Cardiovascular phenotype. Identifiers: MedGen CN230736.
Cardiomyopathy (CMYO). Also called: Cardiomyopathies. Identifiers: Orphanet 167848, MedGen C0878544, MONDO:0004994, HP:0001638. Inheritance: Various modes of inheritance.
Dilated cardiomyopathy 1DD (CMD1DD). Identifiers: Orphanet 154, MedGen C2750995, MONDO:0013168, OMIM 613172.

Allele frequency attached by ClinVar (database versions not stated): gnomAD exomes 0.00004 and 0.00005; gnomAD 0.00017 and 0.00018; TOPMed 0.00018.
gnomAD v4.1: 100 of 1,551,488 alleles (0.0064%); highest among the groups gnomAD compares: Middle Eastern, 0.033%; no homozygotes.

Submissions (7):

Women's Health and Genetics/Laboratory Corporation of America, LabCorp
Classification: Likely benign. Last evaluated: 2025-12-15. Review status: criteria provided, single submitter. Criteria: LabCorp Variant Classification Summary - May 2015. Collection method: clinical testing. Allele origin: germline.
Comment: Variant summary: RBM20 c.1816G>A (p.Val606Met) results in a conservative amino acid change in the encoded protein sequence. Algorithms developed to predict the effect of missense changes on protein structure and function are either unavailable or do not agree on the potential impact of this missense change. The variant allele was found at a frequency of 6.4e-05 in 1551488 control chromosomes, predominantly at a frequency of 0.00029 within the Latino subpopulation in the gnomAD database. The observed variant frequency within Latino control individuals in the gnomAD database exceeds the estimated maximal expected allele frequency for disease-causing variants in RBM20. To our knowledge, no occurrence of c.1816G>A in individuals affected with RBM20-related conditions and no experimental evidence demonstrating its impact on protein function have been reported. ClinVar contains an entry for this variant (Variation ID: 179707). Based on the evidence outlined above, the variant was classified as likely benign.

Labcorp Genetics (formerly Invitae), Labcorp
Classification: Likely benign for Dilated cardiomyopathy 1DD. Last evaluated: 2025-11-28. Review status: criteria provided, single submitter. Criteria: Invitae Variant Classification Sherloc (09022015). Collection method: clinical testing. Allele origin: germline.

GeneDx
Classification: Uncertain significance. Last evaluated: 2025-01-07. Review status: criteria provided, single submitter. Criteria: GeneDx Variant Classification Process June 2021. Collection method: clinical testing. Allele origin: germline. Affected: yes.
Comment: In silico analysis indicates that this missense variant does not alter protein structure/function; Has not been previously published as pathogenic or benign to our knowledge

Ambry Genetics
Classification: Uncertain significance for Cardiovascular phenotype. Last evaluated: 2024-04-16. Review status: criteria provided, single submitter. Criteria: Ambry Variant Classification Scheme 2023. Collection method: clinical testing. Allele origin: germline.
Comment: The p.V606M variant (also known as c.1816G>A), located in coding exon 8 of the RBM20 gene, results from a G to A substitution at nucleotide position 1816. The valine at codon 606 is replaced by methionine, an amino acid with highly similar properties. This amino acid position is highly conserved in available vertebrate species. In addition, the in silico prediction for this alteration is inconclusive. Since supporting evidence is limited at this time, the clinical significance of this alteration remains unclear.

CHEO Genetics Diagnostic Laboratory, Children's Hospital of Eastern Ontario
Classification: Likely benign for Cardiomyopathy. Last evaluated: 2018-02-27. Review status: criteria provided, single submitter. Criteria: ACMG Guidelines, 2015. Collection method: clinical testing. Allele origin: germline.

Illumina Laboratory Services, Illumina
Classification: Uncertain significance for Dilated cardiomyopathy 1DD. Last evaluated: 2018-01-13. Review status: criteria provided, single submitter. Criteria: ICSL Variant Classification Criteria 13 December 2019. Collection method: clinical testing. Allele origin: germline.

Laboratory for Molecular Medicine, Mass General Brigham Personalized Medicine
Classification: Uncertain significance. Last evaluated: 2014-05-01. Review status: criteria provided, single submitter. Criteria: LMM Criteria. Collection method: clinical testing. Allele origin: germline. Observed: 1 variant allele.
Comment: The Val606Met variant in RBM20 has not been previously reported in individuals w ith cardiomyopathy or in large population studies. Computational prediction tool s and conservation analysis suggest that this variant may impact the protein, th ough this information is not predictive enough to determine pathogenicity. Addit ional information is needed to fully assess the clinical significance of the Val 606Met variant.

NM_001134363.3(RBM20):c.1816G>A (p.Val606Met)

Gene: RBM20 (RNA binding motif protein 20; plus strand). Cytogenetic location: 10q25.2.
Variant type: single nucleotide variant.
Coding change: c.1816G>A on transcript NM_001134363.3 (MANE Select); coding-DNA position 1816, G replaced by A.
Protein change: p.Val606Met; replaces valine 606 with methionine.
Molecular consequence: missense variant.
Genome position (GRCh38, 1-based): chr10:110,810,398, G>A. VCF-style: chr10-110810398-G-A. GRCh37 (hg19) VCF-style: chr10-112570156-G-A.
Other names: p.V606M:GTG>ATG; short protein forms V606M.
Identifiers: ClinVar variation 179707 (VCV000179707.24), dbSNP rs727505067, ClinGen allele CA184968.
Genomic context (GRCh38, chr10:110,810,398, plus strand): 5'-GCAAGGCCATCTCTGATCTGATGGTGATCTCTCTGACTTTGCTAGAAACCCGGGAAGGCC[G>A]TGGCTGCCATCATCCAGGACATCCATTCCCAGAGGGAGAGGGACATGTTCCGGGAAGCAG-3'
Protein context (NP_001127835.2, residues 596-616): ELQLKKPGKA[Val606Met]AAIIQDIHSQ